The following is an entry in ClinVar:

NM_006950.3(SYN1):c.955A>G (p.Ile319Val)

Gene: SYN1 (synapsin I; minus strand). Cytogenetic location: Xp11.3.
Variant type: single nucleotide variant.
Coding change: c.955A>G on transcript NM_006950.3 (MANE Select); coding-DNA position 955, A replaced by G.
Protein change: p.Ile319Val; replaces isoleucine 319 with valine.
Molecular consequence: missense variant.
Genome position (GRCh38, 1-based): chrX:47,576,523, T>C on the plus strand (A>G on the coding strand, the complement: SYN1 is on the minus strand). VCF-style: chrX-47576523-T-C. GRCh37 (hg19) VCF-style: chrX-47435922-T-C.
Other names: c.955A>G, p.Ile319Val (NM_133499.2); short protein forms I319V.
Identifiers: ClinVar variation 4278904 (VCV004278904.1).
Genomic context (GRCh38, chrX:47,576,523, plus strand): 5'-GGGACCCCTTCCAGGGCTTTGGTCTCTCCACTCACATGTAGGCCTTGTAGTTCTGCCCAA[T>C]CTTCTGGACACGCACGTCATATTTGGCATCGATGAAGGGCTCGGCAGTGGCATACGTCTT-3'
Protein context (NP_008881.2, residues 309-329): DAKYDVRVQK[Ile319Val]GQNYKAYMRT

ClinVar aggregate classification (germline): Uncertain significance (1 of 4 stars; one submission).

gnomAD v4.1: 5 of 1,211,773 alleles (0.00041%); highest among the groups gnomAD compares: Non-Finnish European, 0.00056%; no homozygotes.

Submission:

GeneDx
Classification: Uncertain significance. Last evaluated: 2025-04-01. Review status: criteria provided, single submitter. Criteria: GeneDx Variant Classification Process June 2021. Collection method: clinical testing. Allele origin: germline. Affected: yes.
Comment: Not observed at significant frequency in large population cohorts (gnomAD); In silico analysis indicates that this missense variant does not alter protein structure/function; Has not been previously published as pathogenic or benign to our knowledge